The following is an entry in ClinVar:

NM_001458.5(FLNC):c.6807C>T (p.Gly2269=)

Genes: FLNC (filamin C; plus strand), FLNC-AS1 (FLNC antisense RNA 1; minus strand). Cytogenetic location: 7q32.1.
Variant type: single nucleotide variant.
Coding change: c.6807C>T on transcript NM_001458.5 (MANE Select); coding-DNA position 6807, C replaced by T.
Protein change: p.Gly2269=; no amino-acid change (glycine 2269 retained).
Molecular consequence: synonymous variant.
Genome position (GRCh38, 1-based): chr7:128,854,492, C>T. VCF-style: chr7-128854492-C-T. GRCh37 (hg19) VCF-style: chr7-128494546-C-T.
Other names: p.Gly2269=; c.6708C>T, p.Gly2236= (NM_001127487.2).
Identifiers: ClinVar variation 1304568 (VCV001304568.6), dbSNP rs777337698, ClinGen allele CA4476093.

ClinVar aggregate classification (germline): Conflicting classifications of pathogenicity. Review status: criteria provided, conflicting classifications (1 of 4 stars). 4 submissions from 4 submitters: Uncertain significance (3); Likely benign (1). Last evaluated 2026-01-14.

Conditions:
Hypertrophic cardiomyopathy 26. Also called: Cardiomyopathy, familial hypertrophic, 26. Identifiers: Orphanet 75249, MedGen C4310749, MONDO:0014883, OMIM 617047.
Myofibrillar myopathy 5. Also called: FILAMINOPATHY, AUTOSOMAL DOMINANT; Filaminopathy (type). Identifiers: Orphanet 171445, MedGen C1836050, MONDO:0012289, OMIM 609524.
Distal myopathy with posterior leg and anterior hand involvement. Also called: WILLIAMS DISTAL MYOPATHY. Identifiers: Orphanet 63273, MedGen C3279722, MONDO:0013550, OMIM 614065.
Cardiovascular phenotype. Identifiers: MedGen CN230736.

Allele frequency attached by ClinVar (database versions not stated): TOPMed below 0.00001; ExAC 0.00001; gnomAD 0.00001.
gnomAD v4.1: 7 of 1,605,626 alleles (0.00044%); highest among the groups gnomAD compares: East Asian, 0.0022%; no homozygotes.

Submissions (4):

Labcorp Genetics (formerly Invitae), Labcorp
Classification: Likely benign for Distal myopathy with posterior leg and anterior hand involvement; Myofibrillar myopathy 5; Hypertrophic cardiomyopathy 26. Last evaluated: 2026-01-14. Review status: criteria provided, single submitter. Criteria: Invitae Variant Classification Sherloc (09022015). Collection method: clinical testing. Allele origin: germline.

Mayo Clinic Laboratories, Mayo Clinic
Classification: Uncertain significance. Last evaluated: 2023-04-20. Review status: criteria provided, single submitter. Criteria: ACMG Guidelines, 2015. Collection method: clinical testing. Allele origin: germline. Observed: 1 variant allele.

Ambry Genetics
Classification: Uncertain significance for Cardiovascular phenotype. Last evaluated: 2022-12-09. Review status: criteria provided, single submitter. Criteria: Ambry Variant Classification Scheme 2023. Collection method: clinical testing. Allele origin: germline.
Comment: The c.6807C>T variant (also known as p.G2269G), located in coding exon 41 of the FLNC gene, results from a C to T substitution at nucleotide position 6807. This nucleotide substitution does not change the glycine at codon 2269. This nucleotide position is poorly conserved in available vertebrate species. In silico splice site analysis predicts that this alteration will result in the creation or strengthening of a novel splice donor site. Since supporting evidence is limited at this time, the clinical significance of this alteration remains unclear.

GeneDx
Classification: Uncertain significance. Last evaluated: 2019-07-25. Review status: criteria provided, single submitter. Criteria: GeneDx Variant Classification Process June 2021. Collection method: clinical testing. Allele origin: germline. Affected: yes.
Comment: Not observed at a significant frequency in large population cohorts (Lek et al., 2016); In silico analysis, which includes splice predictors and evolutionary conservation, suggests this variant may impact gene splicing. In the absence of RNA/functional studies, the actual effect of this sequence change is unknown.; Has not been previously published as pathogenic or benign to our knowledge